The following is an entry in ClinVar:

ClinVar aggregate classification (germline): Likely pathogenic (1 of 4 stars; one submission).

Conditions:
DDX41-related hematologic malignancy predisposition syndrome. Also called: DDX41-Associated Familial Myelodysplastic Syndrome and Acute Myeloid Leukemia; Myeloproliferative/lymphoproliferative neoplasms, familial (multiple types), susceptibility to. Identifiers: Orphanet 488647, MedGen C4225174, MONDO:0014809, OMIM 616871.

Submission:

Saint-Louis Hospital, Assistance Publique Hôpitaux de Paris
Classification: Likely pathogenic for DDX41-related hematologic malignancy predisposition syndrome. Last evaluated: 2025-05-13. Review status: criteria provided, single submitter. Criteria: ACMG Guidelines, 2015. Collection method: clinical testing. Allele origin: germline. Affected: yes.
Comment: The variant DDX41(NM_016222.4):c.1099-3C>G is predicted to have a strong imapct on splicing and therefore, leading to a probably loss of function of the protein. Loss-of-function variants in DDX41 are known to be pathogenic (PMID: 26712909, 27133828). It is absent from control population databases.

Literature cited by the submitters: PubMed 26712909; PubMed 27133828.

NM_016222.4(DDX41):c.1099-3C>G

Gene: DDX41 (DEAD-box helicase 41; minus strand). Cytogenetic location: 5q35.3.
Variant type: single nucleotide variant.
Coding change: c.1099-3C>G on transcript NM_016222.4 (MANE Select); 3 bases into the intron before coding-DNA position 1099, C replaced by G.
Molecular consequence: intron variant.
Genome position (GRCh38, 1-based): chr5:177,513,487, G>C on the plus strand (C>G on the coding strand, the complement: DDX41 is on the minus strand). VCF-style: chr5-177513487-G-C. GRCh37 (hg19) VCF-style: chr5-176940488-G-C.
Other names: c.721-3C>G (NM_001321830.2, NM_001321732.2).
Identifiers: ClinVar variation 3899307 (VCV003899307.1).